The following is an entry in ClinVar:

ClinVar aggregate classification (germline): Conflicting classifications of pathogenicity. Review status: criteria provided, conflicting classifications (1 of 4 stars). 18 submissions from 14 submitters: Uncertain significance (5); Benign (6); Likely benign (5). 2 of the submissions do not count toward it. Last evaluated 2026-09-01.

Conditions:
TTN-related disorder. Also called: TTN-related disorders; TTN-related condition; TTN-related disease.
Cardiovascular phenotype. Identifiers: MedGen CN230736.
Autosomal recessive limb-girdle muscular dystrophy type 2J (LGMDR10). Also called: MUSCULAR DYSTROPHY, LIMB-GIRDLE, AUTOSOMAL RECESSIVE 10; Limb-girdle muscular dystrophy, type 2J. Identifiers: Orphanet 140922, MedGen C1837342, MONDO:0012127, OMIM 608807.
Dilated cardiomyopathy 1G (CMD1G). Identifiers: Orphanet 154, MedGen C1858763, MONDO:0011400, OMIM 604145.
Cardiomyopathy (CMYO). Also called: Cardiomyopathies. Identifiers: Orphanet 167848, MedGen C0878544, MONDO:0004994, HP:0001638. Inheritance: Various modes of inheritance.
Early-onset myopathy with fatal cardiomyopathy (CMYO5). Also called: CONGENITAL MYOPATHY 5 WITH CARDIOMYOPATHY; Salih Myopathy. Identifiers: Orphanet 289377, MedGen C2673677, MONDO:0012714, OMIM 611705. Disease mechanism: loss of function.
Myopathy, myofibrillar, 9, with early respiratory failure (MFM9). Also called: Myopathy, distal, with early respiratory failure, autosomal dominant; Hereditary myopathy with early respiratory failure; EDSTROM MYOPATHY; MYOPATHY, PROXIMAL, WITH EARLY RESPIRATORY MUSCLE INVOLVEMENT. Identifiers: Orphanet 178464, Orphanet 34521, MedGen C1863599, MONDO:0011362, OMIM 603689.
Tibial muscular dystrophy (TMD). Also called: Tibial muscular dystrophy, tardive; Udd Distal Myopathy – Tibial Muscular Dystrophy; UDD MYOPATHY. Identifiers: Orphanet 609, MedGen C1838244, MONDO:0010870, OMIM 600334.

Allele frequency attached by ClinVar (database versions not stated): 1000 Genomes Project 30x 0.00141; gnomAD 0.00075 and 0.00072; ESP Exome Variant Server 0.00081; TOPMed 0.00099; 1000 Genomes Project 0.00120; ExAC 0.00083.
gnomAD v4.1: 954 of 1,613,794 alleles (0.059%); highest among the groups gnomAD compares: Middle Eastern, 0.36%; 5 homozygotes.

Submissions (18):

CeGaT Center for Human Genetics Tuebingen
Classification: Benign. Last evaluated: 2026-09-01. Review status: criteria provided, single submitter. Criteria: CeGaT Center For Human Genetics Tuebingen Variant Classification Criteria Version 2. Collection method: clinical testing. Allele origin: germline. Affected: yes. Observed: 47 variant alleles.
Comment: TTN: BS1, BS2

Labcorp Genetics (formerly Invitae), Labcorp
Classification: Likely benign for Dilated cardiomyopathy 1G; Autosomal recessive limb-girdle muscular dystrophy type 2J. Last evaluated: 2026-02-03. Review status: criteria provided, single submitter. Criteria: Invitae Variant Classification Sherloc (09022015). Collection method: clinical testing. Allele origin: germline.

Molecular Diagnostic Laboratory for Inherited Cardiovascular Disease, Montreal Heart Institute
Classification: Likely benign. Last evaluated: 2025-04-09. Review status: criteria provided, single submitter. Criteria: ACMG Guidelines, 2015. Collection method: clinical testing. Allele origin: germline. Affected: no.

Blueprint Genetics
Classification: Likely benign. Last evaluated: 2024-11-22. Review status: criteria provided, single submitter. Criteria: ACMG Guidelines, 2015. Collection method: clinical testing. Allele origin: germline.

Women's Health and Genetics/Laboratory Corporation of America, LabCorp
Classification: Likely benign. Last evaluated: 2020-03-11. Review status: criteria provided, single submitter. Criteria: LabCorp Variant Classification Summary - May 2015. Collection method: clinical testing. Allele origin: germline.
Comment: Variant summary: TTN c.87538C>T (p.Arg29180Cys) results in a non-conservative amino acid change located in the A-band region of the encoded protein sequence. Four of five in-silico tools predict a damaging effect of the variant on protein function. The variant allele was found at a frequency of 0.001 in 248532 control chromosomes in the gnomAD database, including 2 homozygotes. The observed variant frequency is approximately 1.6-fold the estimated maximal expected allele frequency for a pathogenic variant in TTN causing Cardiomyopathy phenotype (0.00063), strongly suggesting that the variant is benign. To our knowledge, no occurrence of c.87538C>T in individuals affected with Cardiomyopathy and no experimental evidence demonstrating its impact on protein function have been reported. Six clinical diagnostic laboratories have submitted clinical-significance assessments for this variant to ClinVar after 2014 without evidence for independent evaluation. They cited the variant as benign (n=2), likely benign (n=1), and uncertain significance (n=3). Based on the evidence outlined above, the variant was classified as likely benign.

CHEO Genetics Diagnostic Laboratory, Children's Hospital of Eastern Ontario
Classification: Benign for Cardiomyopathy. Last evaluated: 2019-03-13. Review status: criteria provided, single submitter. Criteria: ACMG Guidelines, 2015. Collection method: clinical testing. Allele origin: germline.

Illumina Laboratory Services, Illumina
Classification: Uncertain significance for Autosomal recessive limb-girdle muscular dystrophy type 2J. Last evaluated: 2018-01-12. Review status: criteria provided, single submitter. Criteria: ICSL Variant Classification Criteria 13 December 2019. Collection method: clinical testing. Allele origin: germline.

Illumina Laboratory Services, Illumina
Classification: Benign for Tibial muscular dystrophy. Last evaluated: 2018-01-12. Review status: criteria provided, single submitter. Criteria: ICSL Variant Classification Criteria 13 December 2019. Collection method: clinical testing. Allele origin: germline.
Comment: This variant was observed in the ICSL laboratory as part of a predisposition screen in an ostensibly healthy population. It had not been previously curated by ICSL or reported in the Human Gene Mutation Database (HGMD: prior to June 1st, 2018), and was therefore a candidate for classification through an automated scoring system. Utilizing variant allele frequency, disease prevalence and penetrance estimates, and inheritance mode, an automated score was calculated to assess if this variant is too frequent to cause the disease. Based on the score and internal cut-off values, a variant classified as benign is not then subjected to further curation. The score for this variant resulted in a classification of benign for this disease.

Illumina Laboratory Services, Illumina
Classification: Benign for Myopathy, myofibrillar, 9, with early respiratory failure. Last evaluated: 2018-01-12. Review status: criteria provided, single submitter. Criteria: ICSL Variant Classification Criteria 13 December 2019. Collection method: clinical testing. Allele origin: germline.
Comment: the same text as in the submission from Illumina Laboratory Services, Illumina above.

Illumina Laboratory Services, Illumina
Classification: Uncertain significance for Early-onset myopathy with fatal cardiomyopathy. Last evaluated: 2018-01-12. Review status: criteria provided, single submitter. Criteria: ICSL Variant Classification Criteria 13 December 2019. Collection method: clinical testing. Allele origin: germline.

Illumina Laboratory Services, Illumina
Classification: Uncertain significance for Dilated cardiomyopathy 1G. Last evaluated: 2018-01-12. Review status: criteria provided, single submitter. Criteria: ICSL Variant Classification Criteria 13 December 2019. Collection method: clinical testing. Allele origin: germline.

Laboratory for Molecular Medicine, Mass General Brigham Personalized Medicine
Classification: Benign. Last evaluated: 2017-12-08. Review status: criteria provided, single submitter. Criteria: LMM Criteria. Collection method: clinical testing. Allele origin: germline. Observed: 3 variant alleles.
Comment: This variant is not expected to have clinical significance because it has been i dentified in 1.8% (181/10128) of Ashkenazi Jewish chromosomes by the Genome Aggr egation Database (gnomAD; dbSNP rs142525903). BA1

Ambry Genetics
Classification: Benign for Cardiovascular phenotype. Last evaluated: 2016-12-06. Review status: criteria provided, single submitter. Criteria: Ambry Variant Classification Scheme 2023. Collection method: clinical testing. Allele origin: germline.

Genetic Services Laboratory, University of Chicago
Classification: Uncertain significance. Last evaluated: 2016-09-02. Review status: criteria provided, single submitter. Criteria: ACMG Guidelines, 2015. Collection method: clinical testing. Allele origin: germline. Affected: no.

Eurofins Ntd Llc (ga)
Classification: Uncertain significance. Last evaluated: 2015-07-20. Review status: criteria provided, single submitter. Criteria: EGL Classification Definitions 2015. Collection method: clinical testing. Allele origin: germline. Observed: 6 variant alleles, 5 heterozygotes.

Biesecker Lab/Clinical Genomics Section, National Institutes of Health
Classification: Likely benign. Last evaluated: 2013-06-24. Review status: criteria provided, single submitter. Criteria: Ng et al. (Circ Cardiovasc Genet. 2013). Collection method: research. Allele origin: unknown. Observed: 4 variant alleles. Study: ClinSeq.
Comment: The study set was not selected for affection status in relation to any cancer. Pathogenicity categories were based on literature curation. See Pubmed ID:23861362 for details.

Medical sequencing

PreventionGenetics, part of Exact Sciences
Classification: Benign for TTN-related condition. Last evaluated: 2019-05-16. Review status: no assertion criteria provided. Collection method: clinical testing. Allele origin: germline. Not counted in ClinVar's aggregate classification.
Comment: This variant is classified as benign based on ACMG/AMP sequence variant interpretation guidelines (Richards et al. 2015 PMID: 25741868, with internal and published modifications).

GeneDx
No classification provided. Last evaluated: 2014-01-20. Review status: no classification provided. Criteria: GeneDx Variant Classification (06012015). Collection method: clinical testing. Allele origin: germline. Affected: yes. Not counted in ClinVar's aggregate classification.
Comment: Missense variants in the TTN gene are considered 'unclassified' if they are not previously reported in the literature and do not have >1% frequency in the population to be considered a polymorphism. Research indicates that truncating mutations in the TTN gene are expected to account for approximately 25% of familial and 18% of sporadic idiopathic DCM; however, truncating variants in the TTN gene have been reported in approximately 3% of reported control alleles. There has been little investigation into non-truncating variants. (Herman D et al. Truncations of titin causing dilated cardiomyopathy. N Eng J Med 366:619-628, 2012) The variant is found in DCM,CARDIOMYOPATHY panel(s).

NM_001267550.2(TTN):c.95242C>T (p.Arg31748Cys)

Genes: TTN (titin; minus strand), TTN-AS1 (TTN antisense RNA 1; plus strand). Cytogenetic location: 2q31.2.
Variant type: single nucleotide variant.
Coding change: c.95242C>T on transcript NM_001267550.2 (MANE Select); coding-DNA position 95242, C replaced by T.
Protein change: p.Arg31748Cys; replaces arginine 31748 with cysteine.
Molecular consequence: missense variant.
Genome position (GRCh38, 1-based): chr2:178,545,994, G>A on the plus strand (C>T on the coding strand, the complement: TTN is on the minus strand). VCF-style: chr2-178545994-G-A. GRCh37 (hg19) VCF-style: chr2-179410721-G-A.
Other names: p.R30107C:CGC>TGC; c.90319C>T, p.Arg30107Cys (NM_001256850.1); c.68047C>T, p.Arg22683Cys (NM_003319.4); c.87538C>T, p.Arg29180Cys (NM_133378.4); c.68422C>T, p.Arg22808Cys (NM_133432.3); c.68623C>T, p.Arg22875Cys (NM_133437.4); short protein forms R31748C, R29180C, R30107C, R22683C, R22875C, R22808C.
Identifiers: ClinVar variation 47552 (VCV000047552.77), dbSNP rs142525903, ClinGen allele CA141327.